The following is an entry in ClinVar:

NM_004385.5(VCAN):c.55C>T (p.His19Tyr)

Gene: VCAN (versican; plus strand). Cytogenetic location: 5q14.2.
Variant type: single nucleotide variant.
Coding change: c.55C>T on transcript NM_004385.5 (MANE Select); coding-DNA position 55, C replaced by T.
Protein change: p.His19Tyr; replaces histidine 19 with tyrosine.
Molecular consequence: missense variant.
Genome position (GRCh38, 1-based): chr5:83,483,573, C>T. VCF-style: chr5-83483573-C-T. GRCh37 (hg19) VCF-style: chr5-82779392-C-T.
Other names: c.55C>T, p.His19Tyr (NM_001126336.3, NM_001164097.2, NM_001164098.2); short protein forms H19Y.
Identifiers: ClinVar variation 2817472 (VCV002817472.3), dbSNP rs2478945092, ClinGen allele CA360293214.
Genomic context (GRCh38, chr5:83,483,573, plus strand): 5'-GCCAAGATGTTCATAAATATAAAGAGCATCTTATGGATGTGTTCAACCTTAATAGTAACC[C>T]ATGCGCTACATAAAGGTGAGTGTGCTAACAATTTCTTTGGTGTTAATTGAAATAAAAATG-3'
Protein context (NP_004376.2, residues 9-29): LWMCSTLIVT[His19Tyr]ALHKVKVGKS

ClinVar aggregate classification (germline): Uncertain significance (1 of 4 stars; one submission).

Submission:

Labcorp Genetics (formerly Invitae), Labcorp
Classification: Uncertain significance. Last evaluated: 2025-04-14. Review status: criteria provided, single submitter. Criteria: Invitae Variant Classification Sherloc (09022015). Collection method: clinical testing. Allele origin: germline.
Comment: This sequence change replaces histidine, which is basic and polar, with tyrosine, which is neutral and polar, at codon 19 of the VCAN protein (p.His19Tyr). This variant is not present in population databases (gnomAD no frequency). This variant has not been reported in the literature in individuals affected with VCAN-related conditions. ClinVar contains an entry for this variant (Variation ID: 2817472). An algorithm developed to predict the effect of missense changes on protein structure and function (PolyPhen-2) suggests that this variant is likely to be tolerated. In summary, the available evidence is currently insufficient to determine the role of this variant in disease. Therefore, it has been classified as a Variant of Uncertain Significance.